The following is an entry in ClinVar:

ClinVar aggregate classification (germline): Conflicting classifications of pathogenicity. Review status: criteria provided, conflicting classifications (1 of 4 stars). 2 submissions from 2 submitters: Uncertain significance (1); Likely benign (1). Last evaluated 2024-04-18.

Conditions:
Cardiovascular phenotype. Identifiers: MedGen CN230736.

Allele frequency attached by ClinVar (database versions not stated): gnomAD exomes 0.00001.
gnomAD v4.1: 10 of 1,614,210 alleles (0.00062%); highest among the groups gnomAD compares: Non-Finnish European, 0.00085%; no homozygotes.

Submissions (2):

Ambry Genetics
Classification: Likely benign for Cardiovascular phenotype. Last evaluated: 2024-04-18. Review status: criteria provided, single submitter. Criteria: Ambry Variant Classification Scheme 2023. Collection method: clinical testing. Allele origin: germline.

GeneDx
Classification: Uncertain significance. Last evaluated: 2019-08-30. Review status: criteria provided, single submitter. Criteria: GeneDx Variant Classification Process June 2021. Collection method: clinical testing. Allele origin: germline. Affected: yes.
Comment: Not observed in large population cohorts (Lek et al., 2016); In silico analysis, which includes protein predictors and evolutionary conservation, supports a deleterious effect; Has not been previously published as pathogenic or benign to our knowledge

NM_001148.6(ANK2):c.3303T>G (p.Asn1101Lys)

Gene: ANK2 (ankyrin 2; plus strand). Cytogenetic location: 4q26.
Variant type: single nucleotide variant.
Coding change: c.3303T>G on transcript NM_001148.6 (MANE Select); coding-DNA position 3303, T replaced by G.
Protein change: p.Asn1101Lys; replaces asparagine 1101 with lysine.
Molecular consequence: missense variant.
Genome position (GRCh38, 1-based): chr4:113,333,132, T>G. VCF-style: chr4-113333132-T-G. GRCh37 (hg19) VCF-style: chr4-114254288-T-G.
Other names: c.3276T>G, p.Asn1092Lys (NM_001127493.3); c.3315T>G, p.Asn1105Lys (NM_001354225.2); c.3204T>G, p.Asn1068Lys (NM_001354228.2, NM_001354258.2); c.3282T>G, p.Asn1094Lys (NM_001354230.2); c.3345T>G, p.Asn1115Lys (NM_001354231.2, NM_001354242.2); c.3339T>G, p.Asn1113Lys (NM_001354232.2); c.3300T>G, p.Asn1100Lys (NM_001354235.2, NM_001354246.2, NM_001354265.2); c.3201T>G, p.Asn1067Lys (NM_001354236.2); and 28 more; short protein forms N1001K, N1006K, N1014K, N1026K, N1030K, N1034K, N1035K, N1039K.
Identifiers: ClinVar variation 1318708 (VCV001318708.5), dbSNP rs1588425694, ClinGen allele CA357936139.